The following is an entry in ClinVar:

ClinVar aggregate classification (germline): Likely pathogenic (1 of 4 stars; one submission).

Allele frequency attached by ClinVar (database versions not stated): gnomAD exomes below 0.00001; TOPMed below 0.00001.
gnomAD v4.1: 1 of 1,547,092 alleles (0.000065%); highest among the groups gnomAD compares: African/African-American, 0.0014%; no homozygotes.

Submission:

Labcorp Genetics (formerly Invitae), Labcorp
Classification: Likely pathogenic. Last evaluated: 2023-07-10. Review status: criteria provided, single submitter. Criteria: Invitae Variant Classification Sherloc (09022015). Collection method: clinical testing. Allele origin: germline.
Comment: This sequence change replaces valine, which is neutral and non-polar, with methionine, which is neutral and non-polar, at codon 541 of the PDE6B protein (p.Val541Met). In summary, the currently available evidence indicates that the variant is pathogenic, but additional data are needed to prove that conclusively. Therefore, this variant has been classified as Likely Pathogenic. Algorithms developed to predict the effect of sequence changes on RNA splicing suggest that this variant may create or strengthen a splice site. Advanced modeling of protein sequence and biophysical properties (such as structural, functional, and spatial information, amino acid conservation, physicochemical variation, residue mobility, and thermodynamic stability) has been performed at Invitae for this missense variant, however the output from this modeling did not meet the statistical confidence thresholds required to predict the impact of this variant on PDE6B protein function. ClinVar contains an entry for this variant (Variation ID: 2195451). This missense change has been observed in individual(s) with retinitis pigmentosa (Invitae). In at least one individual the data is consistent with being in trans (on the opposite chromosome) from a pathogenic variant. This variant is not present in population databases (gnomAD no frequency).

NM_000283.4(PDE6B):c.1621G>A (p.Val541Met)

Gene: PDE6B (phosphodiesterase 6B; plus strand). Cytogenetic location: 4p16.3.
Variant type: single nucleotide variant.
Coding change: c.1621G>A on transcript NM_000283.4 (MANE Select); coding-DNA position 1621, G replaced by A.
Protein change: p.Val541Met; replaces valine 541 with methionine.
Molecular consequence: missense variant.
Genome position (GRCh38, 1-based): chr4:662,140, G>A. VCF-style: chr4-662140-G-A. GRCh37 (hg19) VCF-style: chr4-655929-G-A.
Other names: c.1621G>A, p.Val541Met (NM_001145291.2); c.784G>A, p.Val262Met (NM_001145292.2, NM_001350154.3, NM_001379246.1 and 1 more transcripts); c.466G>A, p.Val156Met (NM_001350155.3); short protein forms V541M, V156M, V262M.
Identifiers: ClinVar variation 2195451 (VCV002195451.4), dbSNP rs1319627398, ClinGen allele CA355916739.